The following is an entry in ClinVar:

NM_000245.4(MET):c.1100T>C (p.Ile367Thr)

Gene: MET (MET proto-oncogene, receptor tyrosine kinase; plus strand). Cytogenetic location: 7q31.2.
Variant type: single nucleotide variant.
Coding change: c.1100T>C on transcript NM_000245.4 (MANE Select); coding-DNA position 1100, T replaced by C.
Protein change: p.Ile367Thr; replaces isoleucine 367 with threonine.
Molecular consequence: missense variant. On other transcripts: intron variant (1).
Genome position (GRCh38, 1-based): chr7:116,700,184, T>C. VCF-style: chr7-116700184-T-C. GRCh37 (hg19) VCF-style: chr7-116340238-T-C.
Other names: c.1100T>C, p.Ile367Thr (NM_001127500.3, NM_001324401.3); c.-91+27607T>C (NM_001324402.2); short protein forms I367T.
Identifiers: ClinVar variation 4647729 (VCV004647729.1).
Genomic context (GRCh38, chr7:116,700,184, plus strand): 5'-CACAAAGCAAGCCAGATTCTGCCGAACCAATGGATCGATCTGCCATGTGTGCATTCCCTA[T>C]CAAATATGTCAACGACTTCTTCAACAAGATCGTCAACAAAAACAATGTGAGATGTCTCCA-3'
Protein context (NP_000236.2, residues 357-377): MDRSAMCAFP[Ile367Thr]KYVNDFFNKI

ClinVar aggregate classification (germline): Uncertain significance (1 of 4 stars; one submission).

Conditions:
Hereditary cancer-predisposing syndrome. Also called: Neoplastic Syndromes, Hereditary; Tumor predisposition; Hereditary Cancer Syndrome; Hereditary neoplastic syndrome. Identifiers: Orphanet 140162, MedGen C0027672, MeSH D009386, MONDO:0015356.

Submission:

Ambry Genetics
Classification: Uncertain significance for Hereditary cancer-predisposing syndrome. Last evaluated: 2025-10-14. Review status: criteria provided, single submitter. Criteria: Ambry Variant Classification Scheme 2023. Collection method: clinical testing. Allele origin: germline.
Comment: The p.I367T variant (also known as c.1100T>C), located in coding exon 1 of the MET gene, results from a T to C substitution at nucleotide position 1100. The isoleucine at codon 367 is replaced by threonine, an amino acid with similar properties. This amino acid position is conserved. In addition, this alteration is predicted to be tolerated by in silico analysis. Based on the available evidence, the clinical significance of this variant remains unclear.